The following is an entry in ClinVar:

NM_006206.6(PDGFRA):c.468G>A (p.Glu156=)

Gene: PDGFRA (platelet derived growth factor receptor alpha; plus strand). Cytogenetic location: 4q12.
Variant type: single nucleotide variant.
Coding change: c.468G>A on transcript NM_006206.6 (MANE Select); coding-DNA position 468, G replaced by A.
Protein change: p.Glu156=; no amino-acid change (glutamic acid 156 retained).
Molecular consequence: synonymous variant.
Genome position (GRCh38, 1-based): chr4:54,263,767, G>A. VCF-style: chr4-54263767-G-A. GRCh37 (hg19) VCF-style: chr4-55129934-G-A.
Other names: c.468G>A, p.Glu156= (NM_001347827.2, NM_001347829.2); c.543G>A, p.Glu181= (NM_001347828.2); c.507G>A, p.Glu169= (NM_001347830.2); c.468G>A (NM_006206.4).
Identifiers: ClinVar variation 1122844 (VCV001122844.11), dbSNP rs150801572, ClinGen allele CA96849091.
Genomic context (GRCh38, chr4:54,263,767, plus strand): 5'-TTTAGTCATCGTGGAGGATGATGATTCTGCCATTATACCTTGTCGCACAACTGATCCCGA[G>A]ACTCCTGTAACCTTACACAACAGTGAGGGGGTGGTACCTGCCTCCTACGACAGCAGACAG-3'
Protein context (NP_006197.1, residues 146-166): AIIPCRTTDP[Glu156=]TPVTLHNSEG

ClinVar aggregate classification (germline): Benign/Likely benign. Review status: criteria provided, multiple submitters, no conflicts (2 of 4 stars). 3 submissions from 3 submitters: Benign (1); Likely benign (2). Last evaluated 2026-06-16.

Conditions:
Gastrointestinal stromal tumor. Also called: Gastrointestinal stroma tumor; Gastrointestinal stromal tumor, somatic. Identifiers: Orphanet 44890, MedGen C0238198, MeSH D046152, MONDO:0011719, OMIM 606764, HP:0100723.
Polyps, multiple and recurrent inflammatory fibroid, gastrointestinal. Identifiers: MedGen C5193005, MONDO:0008285, OMIM 175510.
Hereditary cancer-predisposing syndrome. Also called: Neoplastic Syndromes, Hereditary; Hereditary Cancer Syndrome; Hereditary neoplastic syndrome; Tumor predisposition. Identifiers: Orphanet 140162, MedGen C0027672, MeSH D009386, MONDO:0015356.

Allele frequency attached by ClinVar (database versions not stated): gnomAD exomes below 0.00001; TOPMed below 0.00001; ESP Exome Variant Server 0.00008.
gnomAD v4.1: 1 of 1,614,052 alleles (0.000062%); highest among the groups gnomAD compares: Non-Finnish European, 0.000085%; no homozygotes.

Submissions (3):

Myriad Genetics, Inc.
Classification: Benign for Polyps, multiple and recurrent inflammatory fibroid, gastrointestinal. Last evaluated: 2026-06-16. Review status: criteria provided, single submitter. Criteria: Myriad Autosomal Dominant, Autosomal Recessive and X-Linked Classification Criteria (2023). Collection method: clinical testing. Allele origin: unknown.
Comment: This variant is considered benign. This variant is a silent/synonymous amino acid change and it is not expected to impact splicing.

Labcorp Genetics (formerly Invitae), Labcorp
Classification: Likely benign for Gastrointestinal stromal tumor. Last evaluated: 2024-07-19. Review status: criteria provided, single submitter. Criteria: Invitae Variant Classification Sherloc (09022015). Collection method: clinical testing. Allele origin: germline.

Ambry Genetics
Classification: Likely benign for Hereditary cancer-predisposing syndrome. Last evaluated: 2024-07-07. Review status: criteria provided, single submitter. Criteria: Ambry Variant Classification Scheme 2023. Collection method: clinical testing. Allele origin: germline.